The following is an entry in ClinVar:

NM_053025.4(MYLK):c.3704-3C>G

Gene: MYLK (myosin light chain kinase; minus strand). Cytogenetic location: 3q21.1.
Variant type: single nucleotide variant.
Coding change: c.3704-3C>G on transcript NM_053025.4 (MANE Select); 3 bases into the intron before coding-DNA position 3704, C replaced by G.
Molecular consequence: intron variant.
Genome position (GRCh38, 1-based): chr3:123,666,349, G>C on the plus strand (C>G on the coding strand, the complement: MYLK is on the minus strand). VCF-style: chr3-123666349-G-C. GRCh37 (hg19) VCF-style: chr3-123385196-G-C.
Other names: c.3176-3C>G (NM_001321309.2); c.3497-3C>G (NM_053028.4, NM_053026.4); c.3704-3C>G (NM_053027.4).
Identifiers: ClinVar variation 1734124 (VCV001734124.2), dbSNP rs1362341660, ClinGen allele CA2580068667.

ClinVar aggregate classification (germline): Uncertain significance (1 of 4 stars; one submission).

Conditions:
Familial thoracic aortic aneurysm and aortic dissection (TAAD). Also called: Thoracic aortic aneurysms and dissections. Identifiers: Orphanet 91387, MedGen C4707243, MONDO:0019625.

Submission:

Ambry Genetics
Classification: Uncertain significance for Familial thoracic aortic aneurysm and aortic dissection. Last evaluated: 2018-05-03. Review status: criteria provided, single submitter. Criteria: Ambry Variant Classification Scheme 2023. Collection method: clinical testing. Allele origin: germline.
Comment: The c.3704-3C>G intronic variant results from a C to G substitution 3 nucleotides upstream from coding exon 19 in the MYLK gene. This nucleotide position is not well conserved in available vertebrate species. Using the BDGP and ESEfinder splice site prediction tools, this alteration is predicted to abolish the native splice acceptor site; however, direct evidence is unavailable. Since supporting evidence is limited at this time, the clinical significance of this alteration remains unclear.